The following is an entry in ClinVar:

NM_001123385.2(BCOR):c.3941C>A (p.Ala1314Asp)

Gene: BCOR (BCL6 corepressor; minus strand). Cytogenetic location: Xp11.4.
Variant type: single nucleotide variant.
Coding change: c.3941C>A on transcript NM_001123385.2 (MANE Select); coding-DNA position 3941, C replaced by A.
Protein change: p.Ala1314Asp; replaces alanine 1314 with aspartic acid.
Molecular consequence: missense variant.
Genome position (GRCh38, 1-based): chrX:40,062,978, G>T on the plus strand (C>A on the coding strand, the complement: BCOR is on the minus strand). VCF-style: chrX-40062978-G-T. GRCh37 (hg19) VCF-style: chrX-39922231-G-T.
Other names: c.3839C>A, p.Ala1280Asp (NM_001123383.2, NM_017745.6); c.3785C>A, p.Ala1262Asp (NM_001123384.2); short protein forms A1280D, A1314D, A1262D.
Identifiers: ClinVar variation 390714 (VCV000390714.3), dbSNP rs754985350, ClinGen allele CA16608460.

ClinVar aggregate classification (germline): Uncertain significance. Review status: criteria provided, multiple submitters, no conflicts (2 of 4 stars). 2 submissions from 2 submitters: Uncertain significance (2). Last evaluated 2024-04-12.

Conditions:
Inborn genetic diseases. Identifiers: MedGen C0950123, MeSH D030342.

Allele frequency attached by ClinVar (database versions not stated): gnomAD exomes below 0.00001; TOPMed 0.00001; gnomAD 0.00002.
gnomAD v4.1: 3 of 1,183,546 alleles (0.00025%); highest among the groups gnomAD compares: Non-Finnish European, 0.00034%; no homozygotes.

Submissions (2):

Ambry Genetics
Classification: Uncertain significance for Inborn genetic diseases. Last evaluated: 2024-04-12. Review status: criteria provided, single submitter. Criteria: Ambry Variant Classification Scheme 2023. Collection method: clinical testing. Allele origin: germline.

GeneDx
Classification: Uncertain significance. Last evaluated: 2016-11-11. Review status: criteria provided, single submitter. Criteria: GeneDx Variant Classification (06012015). Collection method: clinical testing. Allele origin: germline. Affected: yes.
Comment: The A1280D variant in the BCOR gene has not been reported previously as a pathogenic variant, nor as a benign variant, to our knowledge. This variant was not observed in approximately 6500 individuals of European and African American ancestry in the NHLBI Exome Sequencing Project, indicating it is not a common benign variant in these populations. The A1280D variant is a non-conservative amino acid substitution, which is likely to impact secondary protein structure as these residues differ in polarity, charge, size and/or other properties. This substitution occurs at a position where amino acids with similar properties to Alanine are tolerated across species. In silico analysis is inconsistent in its predictions as to whether or not the variant is damaging to the protein structure/function. We interpret A1280D as a variant of uncertain significance.